The following is an entry in ClinVar:

ClinVar aggregate classification (germline): Pathogenic. Review status: criteria provided, multiple submitters, no conflicts (2 of 4 stars). 2 submissions from 2 submitters: Pathogenic (2). Last evaluated 2023-07-12.

Conditions:
Cobalamin C disease. Also called: Methylmalonic aciduria with homocystinuria cblC type; Methylmalonic aciduria and homocystinuria, Vitamin B12-responsive; Vitamin B12 metabolic defect with combined deficiency of methylmalonyl-CoA mutase and homocysteine:methyltetrahydrofolate methyltransferase; methylmalonic aciduria and homocystinuria type cblC; Cobalamin-C methylmalonic acidemia and homocystinuria; Methylmalonic acidemia and homocystinuria cblC type. Identifiers: Orphanet 26, Orphanet 79282, MedGen C1848561, MONDO:0010184, OMIM 277400.

Submissions (2):

Baylor Genetics
Classification: Pathogenic for Cobalamin C disease. Last evaluated: 2023-07-12. Review status: criteria provided, single submitter. Criteria: ACMG Guidelines, 2015. Collection method: clinical testing. Allele origin: unknown.

Labcorp Genetics (formerly Invitae), Labcorp
Classification: Pathogenic for Cobalamin C disease. Last evaluated: 2020-02-11. Review status: criteria provided, single submitter. Criteria: Invitae Variant Classification Sherloc (09022015). Collection method: clinical testing. Allele origin: germline.
Comment: This sequence change creates a premature translational stop signal (p.Pro42Thrfs*19) in the MMACHC gene. It is expected to result in an absent or disrupted protein product. This variant is not present in population databases (ExAC no frequency). This variant has been observed in individual(s) with methylmalonic aciduria and homocystinuria (PMID: 19370762). This variant is also known in literature as c.122dupT. Loss-of-function variants in MMACHC are known to be pathogenic (PMID: 16311595). For these reasons, this variant has been classified as Pathogenic.

Literature cited by the submitters: PubMed 19370762 (cited by Labcorp Genetics (formerly Invitae), Labcorp); PubMed 16311595 (cited by Labcorp Genetics (formerly Invitae), Labcorp).

NM_015506.3(MMACHC):c.123dup (p.Pro42fs)

Gene: MMACHC (metabolism of cobalamin associated C; plus strand). Cytogenetic location: 1p34.1.
Variant type: Duplication.
Coding change: c.123dup on transcript NM_015506.3 (MANE Select); coding-DNA position 123, one base duplicated (A; older notation c.123dupA).
Protein change: p.Pro42fs; shifts the reading frame from proline 42.
Molecular consequence: frameshift variant. On other transcripts: 5 prime UTR variant (1).
Genome position (GRCh38, 1-based): chr1:45,507,397, A duplicated. VCF-style (leftmost placement, unchanged base first): chr1-45507396-T-TA. GRCh37 (hg19) VCF-style: chr1-45973068-T-TA.
Other names: c.-49dup (NM_001330540.2); short protein forms P42fs.
Identifiers: ClinVar variation 1076669 (VCV001076669.11), dbSNP rs2149323203, ClinGen allele CA2499214786.
Genomic context (GRCh38, chr1:45,507,396, plus strand): 5'-GCCTGAACTTTCTGTTTCAGGTGGCATGGTACAATGAACTCTTGCCTCCAGCCTTCCACC[T>TA]ACCGCTGCCAGGACCTACCCTGGCCTTCCTGGTACTCAGCACGCCTGCCATGTTTGACCG-3'